The following is an entry in ClinVar:

NM_182972.3(IRF2BP2):c.352C>T (p.Pro118Ser)

Genes: IRF2BP2 (interferon regulatory factor 2 binding protein 2; minus strand), LOC129932812 (ATAC-STARR-seq lymphoblastoid silent region 1977; plus strand). Cytogenetic location: 1q42.3.
Variant type: single nucleotide variant.
Coding change: c.352C>T on transcript NM_182972.3 (MANE Select); coding-DNA position 352, C replaced by T.
Protein change: p.Pro118Ser; replaces proline 118 with serine.
Molecular consequence: missense variant.
Genome position (GRCh38, 1-based): chr1:234,609,143, G>A on the plus strand (C>T on the coding strand, the complement: IRF2BP2 is on the minus strand). VCF-style: chr1-234609143-G-A. GRCh37 (hg19) VCF-style: chr1-234744889-G-A.
Other names: p.Pro118Ser; c.352C>T, p.Pro118Ser (NM_001077397.1); short protein forms P118S.
Identifiers: ClinVar variation 770864 (VCV000770864.50), dbSNP rs148187914, ClinGen allele CA1461869.
Genomic context (GRCh38, chr1:234,609,143, plus strand): 5'-GGCGGCTGCTGCCGAAGTCAGAGCCGAGGCGCGGGGGCCTCTCGGCCGCGGCCGCCAACG[G>A]GTAGCGCTCCAAGGCCTGCGGCGCGCGCGGGGCCGCCTCGGGGCCGCCGTGGCCAAGCTG-3'
Protein context (NP_892017.2, residues 108-128): PRAPQALERY[Pro118Ser]LAAAAERPPR

ClinVar aggregate classification (germline): Benign/Likely benign. Review status: criteria provided, multiple submitters, no conflicts (2 of 4 stars). 8 submissions from 8 submitters: Benign (5); Likely benign (2). 1 of the submissions does not count toward it. Last evaluated 2026-08-01.

Conditions:
IRF2BP2-related disorder. Also called: IRF2BP2-related condition.
Immunodeficiency, common variable, 14. Identifiers: Orphanet 696904, MedGen C4540380, MONDO:0054691, OMIM 617765.

Allele frequency attached by ClinVar (database versions not stated): 1000 Genomes Project 0.00859; 1000 Genomes Project 30x 0.01062; TOPMed 0.01265; gnomAD exomes 0.02203.
gnomAD v4.1: 20,301 of 1,241,446 alleles (1.6%); highest among the groups gnomAD compares: Middle Eastern, 3.4%; 214 homozygotes.

Submissions (8):

CeGaT Center for Human Genetics Tuebingen
Classification: Benign. Last evaluated: 2026-08-01. Review status: criteria provided, single submitter. Criteria: CeGaT Center For Human Genetics Tuebingen Variant Classification Criteria Version 2. Collection method: clinical testing. Allele origin: germline. Affected: yes. Observed: 38 variant alleles.
Comment: IRF2BP2: BS1, BS2

Women's Health and Genetics/Laboratory Corporation of America, LabCorp
Classification: Likely benign. Last evaluated: 2026-02-10. Review status: criteria provided, single submitter. Criteria: LabCorp Variant Classification Summary - May 2015. Collection method: clinical testing. Allele origin: germline.
Comment: Variant summary: IRF2BP2 c.352C>T (p.Pro118Ser) results in a non-conservative amino acid change in the encoded protein sequence. Algorithms developed to predict the effect of missense changes on protein structure and function are either unavailable or do not agree on the potential impact of this missense change. The variant allele was found at a frequency of 0.016 in 1241446 control chromosomes in the gnomAD database, including 214 homozygotes. The observed variant frequency exceeds the estimated maximal expected allele frequency for disease-causing variants in IRF2BP2. c.352C>T has been observed in individuals affected with common variable immunodeficiency, without strong evidence of causality (example: Bisgin_2021, von Beck_2024). These reports do not provide unequivocal conclusions about association of the variant with Immunodeficiency, common variable, 14. To our knowledge, no experimental evidence demonstrating an impact on protein function has been reported. The following publications have been ascertained in the context of this evaluation (PMID: 33859323, 39415980). ClinVar contains an entry for this variant (Variation ID: 770864). Based on the evidence outlined above, the variant was classified as likely benign.

Labcorp Genetics (formerly Invitae), Labcorp
Classification: Benign. Last evaluated: 2026-02-03. Review status: criteria provided, single submitter. Criteria: Invitae Variant Classification Sherloc (09022015). Collection method: clinical testing. Allele origin: germline.

Mayo Clinic Laboratories, Mayo Clinic
Classification: Benign. Last evaluated: 2025-06-23. Review status: criteria provided, single submitter. Criteria: ACMG Guidelines, 2015. Collection method: clinical testing. Allele origin: germline. Observed: 1 variant allele.
Comment: BS1, BS2, BP4_moderate

Blueprint Genetics
Classification: Likely benign. Last evaluated: 2024-11-25. Review status: criteria provided, single submitter. Criteria: ACMG Guidelines, 2015. Collection method: clinical testing. Allele origin: germline.

ARUP Laboratories, Molecular Genetics and Genomics, ARUP Laboratories
Classification: Benign for Immunodeficiency, common variable, 14. Last evaluated: 2023-10-26. Review status: criteria provided, single submitter. Criteria: ARUP Molecular Germline Variant Investigation Process 2024. Collection method: clinical testing. Allele origin: germline.

Breakthrough Genomics
Classification: Benign. Review status: criteria provided, single submitter. Criteria: ACMG Guidelines, 2015. Collection method: not provided. Allele origin: germline. Inheritance: Autosomal dominant inheritance. Affected: yes.

PreventionGenetics, part of Exact Sciences
Classification: Likely benign for IRF2BP2-related condition. Last evaluated: 2021-12-01. Review status: no assertion criteria provided. Collection method: clinical testing. Allele origin: germline. Not counted in ClinVar's aggregate classification.
Comment: This variant is classified as likely benign based on ACMG/AMP sequence variant interpretation guidelines (Richards et al. 2015 PMID: 25741868, with internal and published modifications).

Literature cited by the submitters: PubMed 33859323 (cited by Women's Health and Genetics/Laboratory Corporation of America, LabCorp and Mayo Clinic Laboratories, Mayo Clinic); PubMed 39415980 (cited by Women's Health and Genetics/Laboratory Corporation of America, LabCorp and Mayo Clinic Laboratories, Mayo Clinic).